The following is an entry in ClinVar:

NM_001365276.2(TNXB):c.2374C>T (p.Pro792Ser)

Gene: TNXB (tenascin XB; minus strand). Cytogenetic location: 6p21.33.
Variant type: single nucleotide variant.
Coding change: c.2374C>T on transcript NM_001365276.2 (MANE Select); coding-DNA position 2374, C replaced by T.
Protein change: p.Pro792Ser; replaces proline 792 with serine.
Molecular consequence: missense variant.
Genome position (GRCh38, 1-based): chr6:32,089,364, G>A on the plus strand (C>T on the coding strand, the complement: TNXB is on the minus strand). VCF-style: chr6-32089364-G-A. GRCh37 (hg19) VCF-style: chr6-32057141-G-A.
Other names: c.2374C>T, p.Pro792Ser (NM_001428335.1, NM_019105.8); short protein forms P792S.
Identifiers: ClinVar variation 4188655 (VCV004188655.1).

ClinVar aggregate classification (germline): Uncertain significance (1 of 4 stars; one submission).

Conditions:
Cardiovascular phenotype. Identifiers: MedGen CN230736.

gnomAD v4.1: 2 of 1,607,060 alleles (0.00012%); highest among the groups gnomAD compares: Non-Finnish European, 0.00017%; no homozygotes.

Submission:

Ambry Genetics
Classification: Uncertain significance for Cardiovascular phenotype. Last evaluated: 2025-08-28. Review status: criteria provided, single submitter. Criteria: Ambry Variant Classification Scheme 2023. Collection method: clinical testing. Allele origin: germline.
Comment: The p.P792S variant (also known as c.2374C>T), located in coding exon 4 of the TNXB gene, results from a C to T substitution at nucleotide position 2374. The proline at codon 792 is replaced by serine, an amino acid with similar properties. This amino acid position is conserved. In addition, this alteration is predicted to be tolerated by in silico analysis. Based on the available evidence, the clinical significance of this variant remains unclear.